The following is an entry in ClinVar:

NM_000391.4(TPP1):c.1080C>A (p.Asp360Glu)

Gene: TPP1 (tripeptidyl peptidase 1; minus strand). Cytogenetic location: 11p15.4.
Variant type: single nucleotide variant.
Coding change: c.1080C>A on transcript NM_000391.4 (MANE Select); coding-DNA position 1080, C replaced by A.
Protein change: p.Asp360Glu; replaces aspartic acid 360 with glutamic acid.
Molecular consequence: missense variant.
Genome position (GRCh38, 1-based): chr11:6,616,070, G>T on the plus strand (C>A on the coding strand, the complement: TPP1 is on the minus strand). VCF-style: chr11-6616070-G-T. GRCh37 (hg19) VCF-style: chr11-6637301-G-T.
Other names: short protein forms D360E.
Identifiers: ClinVar variation 619137 (VCV000619137.2), dbSNP rs1564854760, ClinGen allele CA379473888.

ClinVar aggregate classification (germline): Uncertain significance (1 of 4 stars; one submission).

Conditions:
Neuronal ceroid lipofuscinosis 2. Also called: JANSKY-BIELSCHOWSKY DISEASE NEURONAL CEROID LIPOFUSCINOSIS, LATE INFANTILE; TPP1-Related Neuronal Ceroid-Lipofuscinosis. Identifiers: Orphanet 168491, Orphanet 228349, Orphanet 79264, MedGen C1876161, MONDO:0008769, OMIM 204500.

Submission:

Foundation for Research in Genetics and Endocrinology, FRIGE's Institute of Human Genetics
Classification: Uncertain significance for Neuronal ceroid lipofuscinosis 2. Last evaluated: 2018-11-29. Review status: criteria provided, single submitter. Criteria: ACMG Guidelines, 2015. Collection method: clinical testing. Allele origin: germline. Inheritance: Autosomal recessive inheritance. Affected: yes. Observed: 1 homozygote.
Comment: The observed variant NM_000391.4:c.1080C>A/p.Asp360Glu is a homozygous missense variation in exon 9 of the TPP1 gene. It has not been reported in the 1000 Genomes and ExAC databases. The in silico predictions of this variant are probably damaging by PolyPhen-2 and damaging by SIFT, LRT and MutationTaster2. The reference codon is conserved across species.